The following is an entry in ClinVar:

NM_014679.5(CEP57):c.561A>T (p.Glu187Asp)

Gene: CEP57 (centrosomal protein 57; plus strand). Cytogenetic location: 11q21.
Variant type: single nucleotide variant.
Coding change: c.561A>T on transcript NM_014679.5 (MANE Select); coding-DNA position 561, A replaced by T.
Protein change: p.Glu187Asp; replaces glutamic acid 187 with aspartic acid.
Molecular consequence: missense variant.
Genome position (GRCh38, 1-based): chr11:95,817,843, A>T. VCF-style: chr11-95817843-A-T. GRCh37 (hg19) VCF-style: chr11-95551007-A-T.
Other names: c.534A>T, p.Glu178Asp (NM_001243776.2); c.561A>T, p.Glu187Asp (NM_001243777.2); c.480A>T, p.Glu160Asp (NM_001363604.2); short protein forms E160D, E187D, E178D.
Identifiers: ClinVar variation 3832007 (VCV003832007.1).

ClinVar aggregate classification (germline): Uncertain significance (1 of 4 stars; one submission).

Conditions:
Inborn genetic diseases. Identifiers: MedGen C0950123, MeSH D030342.

Submission:

Ambry Genetics
Classification: Uncertain significance for Inborn genetic diseases. Last evaluated: 2025-02-27. Review status: criteria provided, single submitter. Criteria: Ambry Variant Classification Scheme 2023. Collection method: clinical testing. Allele origin: germline.
Comment: The p.E187D variant (also known as c.561A>T), located in coding exon 5 of the CEP57 gene, results from an A to T substitution at nucleotide position 561. The glutamic acid at codon 187 is replaced by aspartic acid, an amino acid with highly similar properties. This amino acid position is conserved. In addition, this alteration is predicted to be tolerated by in silico analysis. Based on the available evidence, the clinical significance of this variant remains unclear.